The following is an entry in ClinVar:

ClinVar aggregate classification (germline): Uncertain significance (1 of 4 stars; one submission).

Conditions:
Acromesomelic dysplasia 1, Maroteaux type (AMD1). Also called: ACROMESOMELIC DYSPLASIA 1; ST. HELENA DYSPLASIA. Identifiers: Orphanet 40, MedGen C1864356, MONDO:0011275, OMIM 602875.
Tall stature-scoliosis-macrodactyly of the great toes syndrome. Also called: Epiphyseal chondrodysplasia, miura type. Identifiers: Orphanet 329191, MedGen C4014690, MONDO:0014401, OMIM 615923.

Allele frequency attached by ClinVar (database versions not stated): TOPMed below 0.00001; gnomAD exomes 0.00001.

Submission:

Labcorp Genetics (formerly Invitae), Labcorp
Classification: Uncertain significance for Tall stature-scoliosis-macrodactyly of the great toes syndrome; Acromesomelic dysplasia 1, Maroteaux type. Last evaluated: 2024-06-02. Review status: criteria provided, single submitter. Criteria: Invitae Variant Classification Sherloc (09022015). Collection method: clinical testing. Allele origin: germline.
Comment: This sequence change replaces threonine, which is neutral and polar, with methionine, which is neutral and non-polar, at codon 297 of the NPR2 protein (p.Thr297Met). This variant is present in population databases (no rsID available, gnomAD 0.0009%). This missense change has been observed in individual(s) with autosomal recessive acromesomelic dysplasia, Maroteaux type (PMID: 15146390). Advanced modeling of protein sequence and biophysical properties (such as structural, functional, and spatial information, amino acid conservation, physicochemical variation, residue mobility, and thermodynamic stability) performed at Invitae indicates that this missense variant is not expected to disrupt NPR2 protein function with a negative predictive value of 80%. Experimental studies have shown that this missense change affects NPR2 function (PMID: 15146390, 18945719). In summary, the available evidence is currently insufficient to determine the role of this variant in disease. Therefore, it has been classified as a Variant of Uncertain Significance.

Literature cited by the submitters: PubMed 15146390; PubMed 18945719.

NM_003995.4(NPR2):c.890C>T (p.Thr297Met)

Gene: NPR2 (natriuretic peptide receptor 2; plus strand). Cytogenetic location: 9p13.3.
Variant type: single nucleotide variant.
Coding change: c.890C>T on transcript NM_003995.4 (MANE Select); coding-DNA position 890, C replaced by T.
Protein change: p.Thr297Met; replaces threonine 297 with methionine.
Molecular consequence: missense variant.
Genome position (GRCh38, 1-based): chr9:35,799,634, C>T. VCF-style: chr9-35799634-C-T. GRCh37 (hg19) VCF-style: chr9-35799631-C-T.
Other names: c.890C>T, p.Thr297Met (NM_001378923.1); short protein forms T297M.
Identifiers: ClinVar variation 2925447 (VCV002925447.3), dbSNP rs1313765432, ClinGen allele CA373369142.